The following is an entry in ClinVar:

NM_003718.5(CDK13):c.1152del (p.Ser385fs)

Gene: CDK13 (cyclin dependent kinase 13; plus strand). Cytogenetic location: 7p14.1.
Variant type: Deletion.
Coding change: c.1152del on transcript NM_003718.5 (MANE Select); coding-DNA position 1152, one base deleted (T; older notation c.1152delT).
Protein change: p.Ser385fs; shifts the reading frame from serine 385.
Molecular consequence: frameshift variant.
Genome position (GRCh38, 1-based): chr7:39,951,793, T deleted. VCF-style (leftmost placement, unchanged base first): chr7-39951792-CT-C. GRCh37 (hg19) VCF-style: chr7-39991391-CT-C.
Other names: c.1152delT, p.Ser385Valfs (NM_031267.4); short protein forms S385fs.
Identifiers: ClinVar variation 503994 (VCV000503994.2), dbSNP rs1554317470, ClinGen allele CA658796925.
Genomic context (GRCh38, chr7:39,951,792, plus strand): 5'-GCCGCCGCTCCCCCAGCTACAGCCGCCACAGCTCCTACGAGCGGGGCGGCGACGTGTCCC[CT>C]AGTCCCTACAGCAGCAGCAGCTGGCGCCGCTCTCGCAGTCCCTACAGCCCTGTGCTCAGG-3'

ClinVar aggregate classification (germline): Uncertain significance (1 of 4 stars; one submission).

Submission:

GeneDx
Classification: Uncertain significance. Last evaluated: 2017-12-20. Review status: criteria provided, single submitter. Criteria: GeneDx Variant Classification (06012015). Collection method: clinical testing. Allele origin: germline. Affected: yes.
Comment: The c.1152delTvariant has not been reported previously as a pathogenic variant nor as a benign variant, to our knowledge. The c.1152delT variant is not observed in large population cohorts (Lek et al., 2016). The c.1152delT variant causes a frameshift starting with codon Serine 385, changes this amino acid to a Valine residue, and creates a premature Stop codon at position 59 of the new reading frame, denoted p.Ser385ValfsX59. This variant is predicted to cause loss of normal protein function either through protein truncation or nonsense-mediated mRNA decay. However, CDK13 is a gene for which loss-of-function is not a known mechanism of disease. Therefore, based on the currently available information, it is unclear whether this variant is a pathogenic variant or a rare benign variant.